The following is an entry in ClinVar:

NM_000195.5(HPS1):c.1533-5G>C

Gene: HPS1 (HPS1 biogenesis of lysosomal organelles complex 3 subunit 1; minus strand). Cytogenetic location: 10q24.2.
Variant type: single nucleotide variant.
Coding change: c.1533-5G>C on transcript NM_000195.5 (MANE Select); 5 bases into the intron before coding-DNA position 1533, G replaced by C.
Molecular consequence: intron variant.
Genome position (GRCh38, 1-based): chr10:98,423,673, C>G on the plus strand (G>C on the coding strand, the complement: HPS1 is on the minus strand). VCF-style: chr10-98423673-C-G. GRCh37 (hg19) VCF-style: chr10-100183430-C-G.
Other names: c.1164-5G>C (NM_001322483.2, NM_001322484.2); c.1272-5G>C (NM_001322480.2, NM_001322481.2); c.1434-5G>C (NM_001322478.2, NM_001322479.2); c.1533-5G>C (NM_001322476.2, NM_001322477.2); c.1065-5G>C (NM_001322485.2); c.1173-5G>C (NM_001322482.2); c.561-5G>C (NM_001322489.2, NM_001311345.2, NM_001322487.2).
Identifiers: ClinVar variation 782291 (VCV000782291.16), dbSNP rs369658421, ClinGen allele CA5638974.

ClinVar aggregate classification (germline): Likely benign. Review status: criteria provided, multiple submitters, no conflicts (2 of 4 stars). 6 submissions from 6 submitters: Likely benign (4). 2 of the submissions do not count toward it. Last evaluated 2026-05-11.

Conditions:
HPS1-related disorder. Also called: HPS1-related condition.

Allele frequency attached by ClinVar (database versions not stated): ESP Exome Variant Server 0.00008; TOPMed 0.00014; gnomAD 0.00016.
gnomAD v4.1: 422 of 1,613,922 alleles (0.026%); highest among the groups gnomAD compares: Non-Finnish European, 0.034%; 1 homozygote.

Submissions (6):

Women's Health and Genetics/Laboratory Corporation of America, LabCorp
Classification: Likely benign. Last evaluated: 2026-05-11. Review status: criteria provided, single submitter. Criteria: LabCorp Variant Classification Summary - May 2015. Collection method: clinical testing. Allele origin: germline.

Labcorp Genetics (formerly Invitae), Labcorp
Classification: Likely benign. Last evaluated: 2026-01-26. Review status: criteria provided, single submitter. Criteria: Invitae Variant Classification Sherloc (09022015). Collection method: clinical testing. Allele origin: germline.

PreventionGenetics, part of Exact Sciences
Classification: Likely benign for HPS1-related condition. Last evaluated: 2024-10-17. Review status: criteria provided, single submitter. Criteria: ACMG Guidelines, 2015. Collection method: clinical testing. Allele origin: germline.
Comment: This variant is classified as likely benign based on ACMG/AMP sequence variant interpretation guidelines (Richards et al. 2015 PMID: 25741868, with internal and published modifications).

Blueprint Genetics
Classification: Likely benign. Last evaluated: 2024-07-29. Review status: criteria provided, single submitter. Criteria: ACMG Guidelines, 2015. Collection method: clinical testing. Allele origin: germline.

Clinical Genetics DNA and cytogenetics Diagnostics Lab, Erasmus MC, Erasmus Medical Center
Classification: Likely benign. Review status: no assertion criteria provided. Collection method: clinical testing. Allele origin: germline. Affected: yes. Study: VKGL Data-share Consensus. Not counted in ClinVar's aggregate classification.

Clinical Genetics, Academic Medical Center
Classification: Benign. Review status: no assertion criteria provided. Collection method: clinical testing. Allele origin: germline. Affected: yes. Study: VKGL Data-share Consensus. Not counted in ClinVar's aggregate classification.